The following is an entry in ClinVar:

ClinVar aggregate classification (germline): Uncertain significance (1 of 4 stars; one submission).

Conditions:
Combined immunodeficiency due to STIM1 deficiency. Also called: IMMUNODEFICIENCY 10; STIM1 DEFICIENCY. Identifiers: Orphanet 169090, Orphanet 317430, MedGen C2748557, MONDO:0013008, OMIM 612783.
Stormorken syndrome (STRMK). Also called: THROMBOCYTOPATHY, ASPLENIA, AND MIOSIS. Identifiers: Orphanet 3204, MedGen C1861451, MONDO:0008497, OMIM 185070.
Myopathy with tubular aggregates (TAM). Also called: Tubular Aggregate Myopathy. Identifiers: Orphanet 2593, MedGen C0410207, MONDO:0008051.

Allele frequency attached by ClinVar (database versions not stated): TOPMed below 0.00001.

Submission:

Labcorp Genetics (formerly Invitae), Labcorp
Classification: Uncertain significance for Myopathy with tubular aggregates; Combined immunodeficiency due to STIM1 deficiency; Stormorken syndrome. Last evaluated: 2021-05-14. Review status: criteria provided, single submitter. Criteria: Invitae Variant Classification Sherloc (09022015). Collection method: clinical testing. Allele origin: germline.
Comment: In summary, the available evidence is currently insufficient to determine the role of this variant in disease. Therefore, it has been classified as a Variant of Uncertain Significance. Algorithms developed to predict the effect of missense changes on protein structure and function are either unavailable or do not agree on the potential impact of this missense change (SIFT: "Tolerated"; PolyPhen-2: "Possibly Damaging"; Align-GVGD: "Class C0"). This sequence change replaces leucine with arginine at codon 17 of the STIM1 protein (p.Leu17Arg). The leucine residue is moderately conserved and there is a moderate physicochemical difference between leucine and arginine. This variant is not present in population databases (ExAC no frequency). This variant has not been reported in the literature in individuals with STIM1-related conditions.

NM_001382567.1(STIM1):c.50T>G (p.Leu17Arg)

Gene: STIM1 (stromal interaction molecule 1; plus strand). Cytogenetic location: 11p15.4.
Variant type: single nucleotide variant.
Coding change: c.50T>G on transcript NM_001382567.1 (MANE Select); coding-DNA position 50, T replaced by G.
Protein change: p.Leu17Arg; replaces leucine 17 with arginine.
Molecular consequence: missense variant. On other transcripts: 5 prime UTR variant (1), non-coding transcript variant (3), intron variant (10).
Genome position (GRCh38, 1-based): chr11:3,856,320, T>G. VCF-style: chr11-3856320-T-G. GRCh37 (hg19) VCF-style: chr11-3877550-T-G.
Other names: c.50T>G, p.Leu17Arg (NM_001277961.3, NM_001277962.2, NM_001382568.1 and 3 more transcripts); c.46T>G, p.Cys16Gly (NM_001382569.1); c.-188T>G (NM_001382571.1); c.-84+1584T>G (NM_001382578.1, NM_001382575.1, NM_001382574.1); c.-220+1584T>G (NM_001382580.1, NM_001382581.1); c.-84+1666T>G (NM_001382576.1); c.-84+904T>G (NM_001382566.1, NM_001382579.1, NM_001382577.1 and 1 more transcripts); short protein forms L17R, C16G.
Identifiers: ClinVar variation 1474074 (VCV001474074.8), dbSNP rs2090367397, ClinGen allele CA379196366.